The following continues an entry in ClinVar:

NM_007294.4(BRCA1):c.4636G>A (p.Asp1546Asn)

Gene: BRCA1. ClinVar aggregate classification (germline): Benign. Benign (1).

Submissions 19 to 32 of 32:

PreventionGenetics, part of Exact Sciences
Classification: Benign. Last evaluated: 2017-03-31. Review status: criteria provided, single submitter. Criteria: ACMG Guidelines, 2015. Collection method: clinical testing. Allele origin: germline. Not counted in ClinVar's aggregate classification.

Color Diagnostics, LLC DBA Color Health
Classification: Likely benign for Hereditary cancer-predisposing syndrome. Last evaluated: 2015-07-22. Review status: criteria provided, single submitter. Criteria: ACMG Guidelines, 2015. Collection method: clinical testing. Allele origin: germline. Not counted in ClinVar's aggregate classification.

Genome Diagnostics Laboratory, University Medical Center Utrecht
Classification: Benign for Breast-ovarian cancer, familial, susceptibility to, 1. Last evaluated: 2014-10-09. Review status: criteria provided, single submitter. Criteria: ACGS Guidelines, 2013. Collection method: clinical testing. Allele origin: germline. Affected: yes. Study: VKGL Data-share Consensus. Not counted in ClinVar's aggregate classification.

Ambry Genetics
Classification: Benign for Hereditary cancer-predisposing syndrome. Last evaluated: 2014-09-03. Review status: criteria provided, single submitter. Criteria: Ambry Variant Classification Scheme 2023. Collection method: clinical testing. Allele origin: germline. Not counted in ClinVar's aggregate classification.

GeneDx
Classification: Benign. Last evaluated: 2013-12-13. Review status: criteria provided, single submitter. Criteria: GeneDx Variant Classification (06012015). Collection method: clinical testing. Allele origin: germline. Affected: yes. Not counted in ClinVar's aggregate classification.
Comment: This variant is considered likely benign or benign based on one or more of the following criteria: it is a conservative change, it occurs at a poorly conserved position in the protein, it is predicted to be benign by multiple in silico algorithms, and/or has population frequency not consistent with disease.

Department of Pathology and Laboratory Medicine, Sinai Health System
Classification: Benign for Familial cancer of breast; Breast-ovarian cancer, familial, susceptibility to, 1; Fanconi anemia, complementation group S. Last evaluated: 2013-05-28. Review status: criteria provided, single submitter. Criteria: ACMG Guidelines, 2015. Collection method: clinical testing. Allele origin: germline. Affected: yes. Not counted in ClinVar's aggregate classification.

Breakthrough Genomics
Classification: Benign. Review status: criteria provided, single submitter. Criteria: ACMG Guidelines, 2015. Collection method: not provided. Allele origin: germline. Inheritance: Autosomal recessive inheritance. Affected: yes. Not counted in ClinVar's aggregate classification.

BRCAlab, Lund University
Classification: Benign for Breast-ovarian cancer, familial, susceptibility to, 1. Last evaluated: 2020-03-02. Review status: no assertion criteria provided. Collection method: clinical testing. Allele origin: germline. Affected: yes. Not counted in ClinVar's aggregate classification.

Counsyl
Classification: Benign for Breast-ovarian cancer, familial 1. Last evaluated: 2014-12-11. Review status: no assertion criteria provided. Collection method: literature only. Allele origin: unknown. Inheritance: Autosomal dominant inheritance. Not counted in ClinVar's aggregate classification.

Foulkes Cancer Genetics LDI, Lady Davis Institute for Medical Research
Classification: Benign for Breast and/or ovarian cancer. Last evaluated: 2013-03-28. Review status: no assertion criteria provided. Collection method: clinical testing. Allele origin: germline. Study: The Canadian Open Genetics Repository (COGR). Not counted in ClinVar's aggregate classification.

Breast Cancer Information Core (BIC) (BRCA1)
Classification: Uncertain significance for Breast-ovarian cancer, familial 1. Last evaluated: 2002-05-29. Review status: no assertion criteria provided. Collection method: clinical testing. Allele origin: germline. Affected: yes. Observed: 31 variant alleles. Not counted in ClinVar's aggregate classification.

Clinical Genetics Laboratory, Department of Pathology, Netherlands Cancer Institute
Classification: Benign. Review status: no assertion criteria provided. Collection method: clinical testing. Allele origin: germline. Affected: yes. Study: VKGL Data-share Consensus. Not counted in ClinVar's aggregate classification.

Department of Pathology and Laboratory Medicine, Sinai Health System
Classification: Benign for Malignant tumor of breast. Review status: no assertion criteria provided. Collection method: clinical testing. Allele origin: unknown. Affected: yes. Observed: 1 variant allele. Study: The Canadian Open Genetics Repository (COGR). Not counted in ClinVar's aggregate classification.
Comment: The p.Asp1646Asn variant is not expected to have clinical significance because it does not alter an amino acid residue, is not located near a splice junction, is listed in dbSNP (rs28897691) and EVS as a low frequency variant, and is reported as benign in XXX# publications (${MatchVariant_1_ReferenceSummary}).

Joint Genome Diagnostic Labs from Nijmegen and Maastricht, Radboudumc and MUMC+
Classification: Benign. Review status: no assertion criteria provided. Collection method: clinical testing. Allele origin: germline. Affected: yes. Study: VKGL Data-share Consensus. Not counted in ClinVar's aggregate classification.

Literature cited by the submitters: PubMed 21990134 (cited by Evidence-based Network for the Interpretation of Germline Mutant Alleles (ENIGMA) and Counsyl); DOI 10.3389/fgene.2022.834265 (cited by National Health Laboratory Service, Universitas Academic Hospital and University of the Free State); PubMed 16014699 (cited by Illumina Laboratory Services, Illumina and Counsyl); PubMed 17308087 (cited by Illumina Laboratory Services, Illumina and Counsyl); PubMed 22713736 (cited by Illumina Laboratory Services, Illumina and Counsyl); PubMed 21156238 (cited by Illumina Laboratory Services, Illumina and Counsyl); PubMed 12402332 (cited by Illumina Laboratory Services, Illumina and Counsyl); PubMed 15235020 (cited by Illumina Laboratory Services, Illumina and Counsyl); PubMed 18992264 (cited by Counsyl); PubMed 20104584 (cited by Counsyl).